The following is an entry in ClinVar:

ClinVar aggregate classification (germline): Uncertain significance. Review status: criteria provided, multiple submitters, no conflicts (2 of 4 stars). 2 submissions from 2 submitters: Uncertain significance (2). Last evaluated 2024-07-27.

Conditions:
Pilarowski-Bjornsson syndrome. Also called: DEVELOPMENTAL DELAY AND SPEECH APRAXIA WITH OR WITHOUT SEIZURES. Identifiers: Orphanet 529965, MedGen C4540131, MONDO:0060568, OMIM 617682.

Allele frequency attached by ClinVar (database versions not stated): TOPMed 0.00001.

Submissions (2):

Ambry Genetics
Classification: Uncertain significance. Last evaluated: 2024-07-27. Review status: criteria provided, single submitter. Criteria: Ambry Variant Classification Scheme 2023. Collection method: clinical testing. Allele origin: germline.

Baylor Genetics
Classification: Uncertain significance for Pilarowski-Bjornsson syndrome. Last evaluated: 2020-10-26. Review status: criteria provided, single submitter. Criteria: ACMG Guidelines, 2015. Collection method: clinical testing. Allele origin: unknown. Affected: yes.
Comment: This variant was determined to be of uncertain significance according to ACMG Guidelines, 2015 [PMID:25741868].

NM_001270.4(CHD1):c.4792T>C (p.Tyr1598His)

Gene: CHD1 (chromodomain helicase DNA binding protein 1; minus strand). Cytogenetic location: 5q15.
Variant type: single nucleotide variant.
Coding change: c.4792T>C on transcript NM_001270.4 (MANE Select); coding-DNA position 4792, T replaced by C.
Protein change: p.Tyr1598His; replaces tyrosine 1598 with histidine.
Molecular consequence: missense variant. On other transcripts: non-coding transcript variant (2).
Genome position (GRCh38, 1-based): chr5:98,856,721, A>G on the plus strand (T>C on the coding strand, the complement: CHD1 is on the minus strand). VCF-style: chr5-98856721-A-G. GRCh37 (hg19) VCF-style: chr5-98192425-A-G.
Other names: c.5056T>C, p.Tyr1686His (NM_001364113.3); c.4792T>C, p.Tyr1598His (NM_001376194.2); short protein forms Y1598H, Y1686H.
Identifiers: ClinVar variation 1027857 (VCV001027857.2), dbSNP rs1748060837, ClinGen allele CA360515543.